The following is an entry in ClinVar:

NM_182760.4(SUMF1):c.675dup (p.Pro226fs)

Gene: SUMF1 (sulfatase modifying factor 1; minus strand). Cytogenetic location: 3p26.1.
Variant type: Duplication.
Coding change: c.675dup on transcript NM_182760.4 (MANE Select); coding-DNA position 675, one base duplicated (G; older notation c.675dupG).
Protein change: p.Pro226fs; shifts the reading frame from proline 226.
Molecular consequence: frameshift variant.
Genome position (GRCh38, 1-based): chr3:4,418,060, C duplicated on the plus strand (G on the coding strand, the reverse complement: SUMF1 is on the minus strand). VCF-style (leftmost placement, unchanged base first): chr3-4418059-G-GC. GRCh37 (hg19) VCF-style: chr3-4459743-G-GC.
Other names: c.600dup, p.Pro201fs (NM_001164674.2); c.675dup, p.Pro226fs (NM_001164675.2); short protein forms P226fs, P201fs.
Identifiers: ClinVar variation 2029578 (VCV002029578.4), dbSNP rs2469858380, ClinGen allele CA2580069165.

ClinVar aggregate classification (germline): Pathogenic (1 of 4 stars; one submission).

Conditions:
Multiple sulfatase deficiency (MSD). Also called: Mucosulfatidosis; Multiple Sulfatase Deficiency Disease; Sulfatidosis, Juvenile, Austin Type. Identifiers: Orphanet 585, MedGen C0268263, MONDO:0010088, OMIM 272200.

Submission:

Labcorp Genetics (formerly Invitae), Labcorp
Classification: Pathogenic for Multiple sulfatase deficiency. Last evaluated: 2022-09-08. Review status: criteria provided, single submitter. Criteria: Invitae Variant Classification Sherloc (09022015). Collection method: clinical testing. Allele origin: germline.
Comment: For these reasons, this variant has been classified as Pathogenic. This variant has not been reported in the literature in individuals affected with SUMF1-related conditions. This variant is not present in population databases (gnomAD no frequency). This sequence change creates a premature translational stop signal (p.Pro226Alafs*5) in the SUMF1 gene. It is expected to result in an absent or disrupted protein product. Loss-of-function variants in SUMF1 are known to be pathogenic (PMID: 12757705, 12757706, 25885655).

Literature cited by the submitters: PubMed 12757705; PubMed 12757706; PubMed 25885655.